The following is an entry in ClinVar:

ClinVar aggregate classification (germline): Uncertain significance (1 of 4 stars; one submission).

Conditions:
Hereditary spastic paraplegia 11. Also called: Nakamura Osame syndrome; Autosomal recessive hereditary spastic paraplegia, mental impairment, and thin corpus callosum; SPASTIC PARAPLEGIA, AUTOSOMAL RECESSIVE, COMPLICATED, WITH THIN CORPUS CALLOSUM; SPASTIC PARAPLEGIA, AUTOSOMAL RECESSIVE, WITH MENTAL IMPAIRMENT AND THIN CORPUS CALLOSUM; Spastic Paraplegia 11; Spastic paraplegia, mental retardation and thin corpus callosum. Identifiers: Orphanet 2822, MedGen C1858479, MONDO:0011445, OMIM 604360.

Allele frequency attached by ClinVar (database versions not stated): gnomAD exomes below 0.00001.
gnomAD v4.1: 3 of 1,614,190 alleles (0.00019%); highest among the groups gnomAD compares: East Asian, 0.0067%; no homozygotes.

Submission:

Labcorp Genetics (formerly Invitae), Labcorp
Classification: Uncertain significance for Hereditary spastic paraplegia 11. Last evaluated: 2022-07-13. Review status: criteria provided, single submitter. Criteria: Invitae Variant Classification Sherloc (09022015). Collection method: clinical testing. Allele origin: germline.
Comment: In summary, the available evidence is currently insufficient to determine the role of this variant in disease. Therefore, it has been classified as a Variant of Uncertain Significance. Algorithms developed to predict the effect of missense changes on protein structure and function output the following: SIFT: "Deleterious"; PolyPhen-2: "Benign"; Align-GVGD: "Class C0". The asparagine amino acid residue is found in multiple mammalian species, which suggests that this missense change does not adversely affect protein function. This variant has not been reported in the literature in individuals affected with SPG11-related conditions. This variant is present in population databases (no rsID available, gnomAD 0.02%). This sequence change replaces serine, which is neutral and polar, with asparagine, which is neutral and polar, at codon 380 of the SPG11 protein (p.Ser380Asn).

NM_025137.4(SPG11):c.1139G>A (p.Ser380Asn)

Gene: SPG11 (SPG11 vesicle trafficking associated, spatacsin; minus strand). Cytogenetic location: 15q21.1.
Variant type: single nucleotide variant.
Coding change: c.1139G>A on transcript NM_025137.4 (MANE Select); coding-DNA position 1139, G replaced by A.
Protein change: p.Ser380Asn; replaces serine 380 with asparagine.
Molecular consequence: missense variant.
Genome position (GRCh38, 1-based): chr15:44,651,808, C>T on the plus strand (G>A on the coding strand, the complement: SPG11 is on the minus strand). VCF-style: chr15-44651808-C-T. GRCh37 (hg19) VCF-style: chr15-44944006-C-T.
Other names: c.1139G>A, p.Ser380Asn (NM_001160227.2, NM_001411132.1); short protein forms S380N.
Identifiers: ClinVar variation 2016452 (VCV002016452.4), dbSNP rs1167196165, ClinGen allele CA392236508.